The following is an entry in ClinVar:

ClinVar aggregate classification (germline): Likely benign (0 of 4 stars; one submission).

Conditions:
SLC18A3-related disorder. Also called: SLC18A3-related condition.

Allele frequency attached by ClinVar (database versions not stated): gnomAD 0.00001; TOPMed 0.00001.

Submission:

PreventionGenetics, part of Exact Sciences
Classification: Likely benign for SLC18A3-related condition. Last evaluated: 2019-02-28. Review status: no assertion criteria provided. Collection method: clinical testing. Allele origin: germline.
Comment: This variant is classified as likely benign based on ACMG/AMP sequence variant interpretation guidelines (Richards et al. 2015 PMID: 25741868, with internal and published modifications).

NM_003055.3(SLC18A3):c.1542G>A (p.Pro514=)

Genes: CHAT (choline O-acetyltransferase; plus strand), SLC18A3 (solute carrier family 18 member A3; plus strand). Cytogenetic location: 10q11.23.
Variant type: single nucleotide variant.
Coding change: c.1542G>A on transcript NM_003055.3 (MANE Select); coding-DNA position 1542, G replaced by A.
Protein change: p.Pro514=; no amino-acid change (proline 514 retained).
Molecular consequence: synonymous variant. On other transcripts: intron variant (1).
Genome position (GRCh38, 1-based): chr10:49,612,282, G>A. VCF-style: chr10-49612282-G-A. GRCh37 (hg19) VCF-style: chr10-50820328-G-A.
Other names: c.-69+3083G>A (NM_020984.4).
Identifiers: ClinVar variation 3058335 (VCV003058335.2), dbSNP rs1045968094, ClinGen allele CA206621697.